The following is an entry in ClinVar:

NM_002150.3(HPD):c.274G>T (p.Gly92Ter)

Genes: HPD (4-hydroxyphenylpyruvate dioxygenase; minus strand), TIALD (transcript inducer of AURKA lysosomal degradation; plus strand), LOC126861662 (MED14-independent group 3 enhancer GRCh37_chr12:122293687-122294886; plus strand). Cytogenetic location: 12q24.31.
Variant type: single nucleotide variant.
Coding change: c.274G>T on transcript NM_002150.3 (MANE Select); coding-DNA position 274, G replaced by T.
Protein change: p.Gly92Ter; replaces glycine 92 with a stop codon.
Molecular consequence: nonsense.
Genome position (GRCh38, 1-based): chr12:121,856,374, C>A on the plus strand (G>T on the coding strand, the complement: HPD is on the minus strand). VCF-style: chr12-121856374-C-A. GRCh37 (hg19) VCF-style: chr12-122294280-C-A.
Other names: c.157G>T, p.Gly53Ter (NM_001171993.2); short protein forms G53*, G92*.
Identifiers: ClinVar variation 3753445 (VCV003753445.2).

ClinVar aggregate classification (germline): Pathogenic (1 of 4 stars; one submission).

Conditions:
Hawkinsinuria. Identifiers: Orphanet 2118, MedGen C2931042, MONDO:0007700, OMIM 140350, HP:0034457.
Tyrosinemia type III. Also called: Tyrosinemia type 3; 4-alpha hydroxyphenylpyruvic acid oxidase deficiency; 4-alpha hydroxyphenylpyruvate dioxygenase deficiency; 4-Hydroxyphenylpyruvate dioxygenase deficiency; 4-HYDROXYPHENYLPYRUVIC ACID OXIDASE DEFICIENCY. Identifiers: Orphanet 69723, MedGen C0268623, MONDO:0010162, OMIM 276710.

Submission:

Labcorp Genetics (formerly Invitae), Labcorp
Classification: Pathogenic for Tyrosinemia type III; Hawkinsinuria. Last evaluated: 2024-07-29. Review status: criteria provided, single submitter. Criteria: Invitae Variant Classification Sherloc (09022015). Collection method: clinical testing. Allele origin: germline.
Comment: This sequence change creates a premature translational stop signal (p.Gly92*) in the HPD gene. It is expected to result in an absent or disrupted protein product. Loss-of-function variants in HPD are known to be pathogenic (PMID: 10942115, 23036342). This variant is not present in population databases (gnomAD no frequency). This variant has not been reported in the literature in individuals affected with HPD-related conditions. For these reasons, this variant has been classified as Pathogenic.

Literature cited by the submitters: PubMed 10942115; PubMed 23036342.